The following is an entry in ClinVar:

NM_006231.4(POLE):c.590G>C (p.Arg197Thr)

Gene: POLE (DNA polymerase epsilon, catalytic subunit; minus strand). Cytogenetic location: 12q24.33.
Variant type: single nucleotide variant.
Coding change: c.590G>C on transcript NM_006231.4 (MANE Select); coding-DNA position 590, G replaced by C.
Protein change: p.Arg197Thr; replaces arginine 197 with threonine.
Molecular consequence: missense variant.
Genome position (GRCh38, 1-based): chr12:132,677,708, C>G on the plus strand (G>C on the coding strand, the complement: POLE is on the minus strand). VCF-style: chr12-132677708-C-G. GRCh37 (hg19) VCF-style: chr12-133254294-C-G.
Other names: short protein forms R197T.
Identifiers: ClinVar variation 405770 (VCV000405770.18), dbSNP rs528361482, ClinGen allele CA16613665.

ClinVar aggregate classification (germline): Uncertain significance. Review status: criteria provided, multiple submitters, no conflicts (2 of 4 stars). 4 submissions from 4 submitters: Uncertain significance (4). Last evaluated 2026-01-06.

Conditions:
Hereditary cancer-predisposing syndrome. Also called: Hereditary Cancer Syndrome; Hereditary neoplastic syndrome; Neoplastic Syndromes, Hereditary; Tumor predisposition. Identifiers: Orphanet 140162, MedGen C0027672, MeSH D009386, MONDO:0015356.

Allele frequency attached by ClinVar (database versions not stated): gnomAD 0.00001; TOPMed 0.00002.
gnomAD v4.1: 51 of 1,613,944 alleles (0.0032%); highest among the groups gnomAD compares: Non-Finnish European, 0.0042%; no homozygotes.

Submissions (4):

Labcorp Genetics (formerly Invitae), Labcorp
Classification: Uncertain significance. Last evaluated: 2026-01-06. Review status: criteria provided, single submitter. Criteria: Invitae Variant Classification Sherloc (09022015). Collection method: clinical testing. Allele origin: germline.
Comment: This sequence change replaces arginine, which is basic and polar, with threonine, which is neutral and polar, at codon 197 of the POLE protein (p.Arg197Thr). This variant is present in population databases (rs528361482, gnomAD 0.003%). This variant has not been reported in the literature in individuals affected with POLE-related conditions. ClinVar contains an entry for this variant (Variation ID: 405770). Invitae Evidence Modeling of protein sequence and biophysical properties (such as structural, functional, and spatial information, amino acid conservation, physicochemical variation, residue mobility, and thermodynamic stability) indicates that this missense variant is not expected to disrupt POLE protein function with a negative predictive value of 80%. In summary, the available evidence is currently insufficient to determine the role of this variant in disease. Therefore, it has been classified as a Variant of Uncertain Significance.

Ambry Genetics
Classification: Uncertain significance for Hereditary cancer-predisposing syndrome. Last evaluated: 2025-05-17. Review status: criteria provided, single submitter. Criteria: Ambry Variant Classification Scheme 2023. Collection method: clinical testing. Allele origin: germline.

GeneDx
Classification: Uncertain significance. Last evaluated: 2024-02-27. Review status: criteria provided, single submitter. Criteria: GeneDx Variant Classification Process June 2021. Collection method: clinical testing. Allele origin: germline. Affected: yes.
Comment: Not observed at significant frequency in large population cohorts (gnomAD); In silico analysis supports that this missense variant does not alter protein structure/function; Has not been previously published as pathogenic or benign to our knowledge

Quest Diagnostics Nichols Institute San Juan Capistrano
Classification: Uncertain significance. Last evaluated: 2017-10-16. Review status: criteria provided, single submitter. Criteria: Quest Diagnostics criteria. Collection method: clinical testing. Allele origin: germline.